The following is an entry in ClinVar:

ClinVar aggregate classification (germline): Likely benign (0 of 4 stars; one submission).

Conditions:
ARFGAP2-related disorder. Also called: ARFGAP2-related condition.

Allele frequency attached by ClinVar (database versions not stated): 1000 Genomes Project 30x 0.00078; 1000 Genomes Project 0.00100.
gnomAD v4.1: 295 of 1,614,236 alleles (0.018%); highest among the groups gnomAD compares: East Asian, 0.51%; 1 homozygote.

Submission:

PreventionGenetics, part of Exact Sciences
Classification: Likely benign for ARFGAP2-related condition. Last evaluated: 2019-12-18. Review status: no assertion criteria provided. Collection method: clinical testing. Allele origin: germline.
Comment: This variant is classified as likely benign based on ACMG/AMP sequence variant interpretation guidelines (Richards et al. 2015 PMID: 25741868, with internal and published modifications).

NM_032389.6(ARFGAP2):c.1016G>T (p.Arg339Leu)

Gene: ARFGAP2 (ARF GTPase activating protein 2; minus strand). Cytogenetic location: 11p11.2.
Variant type: single nucleotide variant.
Coding change: c.1016G>T on transcript NM_032389.6 (MANE Select); coding-DNA position 1016, G replaced by T.
Protein change: p.Arg339Leu; replaces arginine 339 with leucine.
Molecular consequence: missense variant.
Genome position (GRCh38, 1-based): chr11:47,168,177, C>A on the plus strand (G>T on the coding strand, the complement: ARFGAP2 is on the minus strand). VCF-style: chr11-47168177-C-A. GRCh37 (hg19) VCF-style: chr11-47189728-C-A.
Other names: c.932G>T, p.Arg311Leu (NM_001242832.2); c.1058G>T, p.Arg353Leu (NM_001410995.1); short protein forms R311L, R339L, R353L.
Identifiers: ClinVar variation 3048473 (VCV003048473.2), dbSNP rs34662994, ClinGen allele CA5971410.